The following is an entry in ClinVar:

ClinVar aggregate classification (germline): Likely benign (1 of 4 stars; one submission).

Submission:

CeGaT Center for Human Genetics Tuebingen
Classification: Likely benign. Last evaluated: 2023-03-01. Review status: criteria provided, single submitter. Criteria: CeGaT Center For Human Genetics Tuebingen Variant Classification Criteria Version 2. Collection method: clinical testing. Allele origin: germline. Affected: yes. Observed: 1 variant allele.
Comment: CDR1: BS2; LINC00632: BS2

NR_173140.2(LINC00632):n.1589_1606del18

Genes: CDR1 (cerebellar degeneration related 1; minus strand), LINC00632 (long independently transcribed non-coding RNA 632; plus strand). Cytogenetic location: Xq27.1.
Variant type: Deletion.
Molecular consequence: non-coding transcript variant (on NR_173139.1).
Genome position: GRCh38 VCF-style: chrX-140784294-CGTCTTCCAACAAAGGTAT-C. GRCh37 (hg19) VCF-style: chrX-139866459-CGTCTTCCAACAAAGGTAT-C.
Identifiers: ClinVar variation 2661545 (VCV002661545.24), dbSNP rs760219759, ClinGen allele CA10531855.